The following is an entry in ClinVar:

NM_198514.4(NHLRC2):c.413G>T (p.Arg138Leu)

Gene: NHLRC2 (NHL repeat containing 2; plus strand). Cytogenetic location: 10q25.3.
Variant type: single nucleotide variant.
Coding change: c.413G>T on transcript NM_198514.4 (MANE Select); coding-DNA position 413, G replaced by T.
Protein change: p.Arg138Leu; replaces arginine 138 with leucine.
Molecular consequence: missense variant.
Genome position (GRCh38, 1-based): chr10:113,876,602, G>T. VCF-style: chr10-113876602-G-T. GRCh37 (hg19) VCF-style: chr10-115636361-G-T.
Other names: short protein forms R138L.
Identifiers: ClinVar variation 4879758 (VCV004879758.2).
Genomic context (GRCh38, chr10:113,876,602, plus strand): 5'-TTCACTCGGCTAAGTTTCCAAATGAAAAAGTCCTGGATAACATTAAGAGTGCTGTTCTTC[G>T]ATACAACATCACCCACCCTATGGTTAATGATGCAGATGCCAGCCTTTGGCAAGAACTAGA-3'
Protein context (NP_940916.2, residues 128-148): VLDNIKSAVL[Arg138Leu]YNITHPMVND

ClinVar aggregate classification (germline): Conflicting classifications of pathogenicity. Review status: criteria provided, conflicting classifications (1 of 4 stars). 2 submissions from 2 submitters: Likely pathogenic (1); Uncertain significance (1). Last evaluated 2026-07-07.

Conditions:
Fibrosis, neurodegeneration, and cerebral angiomatosis. Also called: Fibrosis-neurodegeneration-cerebral angiomatosis syndrome. Identifiers: Orphanet 621758, MedGen C4748939, MONDO:0032651, OMIM 618278.

gnomAD v4.1: 5 of 1,613,468 alleles (0.00031%); highest among the groups gnomAD compares: South Asian, 0.0055%; no homozygotes.

Submissions (2):

Institute of Human Genetics, University of Leipzig Medical Center
Classification: Likely pathogenic for Fibrosis, neurodegeneration, and cerebral angiomatosis. Last evaluated: 2026-07-07. Review status: criteria provided, single submitter. Criteria: ACMG Guidelines, 2015. Collection method: clinical testing. Allele origin: unknown. Inheritance: Autosomal recessive inheritance. Affected: yes.
Comment: Criteria applied: PM1_SUP,PM2,PM3,PP3,PP1

Victorian Clinical Genetics Services, Murdoch Childrens Research Institute
Classification: Uncertain significance for Fibrosis, neurodegeneration, and cerebral angiomatosis. Last evaluated: 2026-06-08. Review status: criteria provided, single submitter. Criteria: ACMG Guidelines, 2015. Collection method: clinical testing. Allele origin: germline. Affected: yes.
Comment: This variant is classified as VUS-3A. Evidence in support of pathogenic classification: Variant is present in gnomAD <0.01 for a recessive condition (v4: 5 heterozygote(s), 0 homozygote(s)); Missense variant predicted to be damaging by in silico tool(s) or highly conserved with a major amino acid change. Additional information: Variant is predicted to result in a missense amino acid change from Arg to Leu; This variant is homozygous; This gene is associated with autosomal recessive disease; Alternative amino acid change(s) at the same position are present in gnomAD (highest allele count: v4: 1 heterozygote(s), 0 homozygote(s)); This variant has no previous evidence of pathogenicity; No published evidence of segregation with disease has been identified for this variant; No published functional evidence has been identified for this variant; No comparable missense variants have previous evidence for pathogenicity; Variant is located in the annotated thioredoxin-like domain (DECIPHER). - Loss of function is a known mechanism of disease in this gene and is associated with FINCA syndrome (MIM#618278); Variants in this gene are known to have variable expressivity. A spectrum of clinical manifestations have been observed (PMID: 37188825).

Literature cited by the submitters: PubMed 37188825 (cited by Victorian Clinical Genetics Services, Murdoch Childrens Research Institute).